The following is an entry in ClinVar:

ClinVar aggregate classification (germline): Uncertain significance. Review status: criteria provided, multiple submitters, no conflicts (2 of 4 stars). 2 submissions from 2 submitters: Uncertain significance (2). Last evaluated 2025-04-21.

Conditions:
Baraitser-Winter syndrome 1 (BRWS1). Also called: Cerebrofrontofacial syndrome; BARAITSER-WINTER SYNDROME 1, ATYPICAL; PACHYGYRIA, MENTAL RETARDATION, EPILEPSY, AND CHARACTERISTIC FACIES; MENTAL RETARDATION WITH EPILEPSY AND CHARACTERISTIC FACIES. Identifiers: Orphanet 2649, Orphanet 2995, MedGen C1855722, MONDO:0009470, OMIM 243310.

Submissions (2):

Labcorp Genetics (formerly Invitae), Labcorp
Classification: Uncertain significance for Baraitser-Winter syndrome 1. Last evaluated: 2025-04-21. Review status: criteria provided, single submitter. Criteria: Invitae Variant Classification Sherloc (09022015). Collection method: clinical testing. Allele origin: germline.
Comment: This variant, c.10_12del, results in the deletion of 1 amino acid(s) of the ACTB protein (p.Asp4del), but otherwise preserves the integrity of the reading frame. This variant is not present in population databases (gnomAD no frequency). This variant has not been reported in the literature in individuals affected with ACTB-related conditions. ClinVar contains an entry for this variant (Variation ID: 3381388). Experimental studies and prediction algorithms are not available or were not evaluated, and the functional significance of this variant is currently unknown. In summary, the available evidence is currently insufficient to determine the role of this variant in disease. Therefore, it has been classified as a Variant of Uncertain Significance.

GeneDx
Classification: Uncertain significance. Last evaluated: 2024-05-17. Review status: criteria provided, single submitter. Criteria: GeneDx Variant Classification Process June 2021. Collection method: clinical testing. Allele origin: germline. Affected: yes.
Comment: Not observed in large population cohorts (gnomAD); In-frame deletion of 1 amino acid in a non-repeat region; In silico analysis supports that this variant does not alter protein structure/function; Has not been previously published as pathogenic or benign to our knowledge

NM_001101.5(ACTB):c.4GAT[2] (p.Asp4del)

Gene: ACTB (actin beta; minus strand). Cytogenetic location: 7p22.1.
Variant type: Microsatellite.
Coding change: c.4GAT[2] on transcript NM_001101.5 (MANE Select); two copies in a row of the 3-base unit GAT starting at c.4; the reference has three copies in a row; one copy, 3 bases deleted; also written c.10_12del.
Protein change: p.Asp4del; deletes aspartic acid 4.
Molecular consequence: inframe deletion. On other transcripts: inframe indel (2).
Genome position (GRCh38, 1-based): chr7:5,529,646-5,529,648, ATC deleted on the plus strand (GAT on the coding strand, the reverse complement: ACTB is on the minus strand); deleting any 3 consecutive bases within chr7:5,529,646-5,529,654 gives the same sequence; the position shown is the placement nearest the transcript's 3' end. VCF-style (leftmost placement, unchanged base first): chr7-5529645-TATC-T. GRCh37 (hg19) VCF-style: chr7-5569276-TATC-T.
Other names: c.4_6GAT[2], p.Asp4del (NM_001101.3); c.10_12del (NM_001101.3); short protein forms D4del.
Identifiers: ClinVar variation 3381388 (VCV003381388.2).
Genomic context (GRCh38, chr7:5,529,645, plus strand): 5'-CGTCGCCCGCGAAGCCGGCCTTGCACATGCCGGAGCCGTTGTCGACGACGAGCGCGGCGA[TATC>T]ATCATCCATGGTGAGCTGCGAGAATAGCCGGGCGCGCTGTGAGCCGAGGTCGCCCCCGCC-3'